The following is an entry in ClinVar:

NM_024301.5(FKRP):c.757G>T (p.Ala253Ser)

Gene: FKRP (fukutin related protein; plus strand). Cytogenetic location: 19q13.32.
Variant type: single nucleotide variant.
Coding change: c.757G>T on transcript NM_024301.5 (MANE Select); coding-DNA position 757, G replaced by T.
Protein change: p.Ala253Ser; replaces alanine 253 with serine.
Molecular consequence: missense variant.
Genome position (GRCh38, 1-based): chr19:46,756,207, G>T. VCF-style: chr19-46756207-G-T. GRCh37 (hg19) VCF-style: chr19-47259464-G-T.
Other names: c.757G>T, p.Ala253Ser (NM_001039885.3); short protein forms A253S.
Identifiers: ClinVar variation 459242 (VCV000459242.6), dbSNP rs959679901, ClinGen allele CA309099464.

ClinVar aggregate classification (germline): Uncertain significance. Review status: criteria provided, multiple submitters, no conflicts (2 of 4 stars). 3 submissions from 3 submitters: Uncertain significance (2). 1 of the submissions does not count toward it. Last evaluated 2025-05-03.

Conditions:
Cardiovascular phenotype. Identifiers: MedGen CN230736.
Walker-Warburg congenital muscular dystrophy. Also called: Muscular dystrophy-dystroglycanopathy, type A; Walker-Warburg syndrome. Identifiers: Orphanet 899, MedGen C0265221, MONDO:0000171.
Autosomal recessive limb-girdle muscular dystrophy type 2I. Also called: MUSCULAR DYSTROPHY-DYSTROGLYCANOPATHY (LIMB-GIRDLE), TYPE C, 5; MUSCULAR DYSTROPHY, LIMB-GIRDLE, TYPE 2I; MUSCULAR DYSTROPHY-DYSTROGLYCANOPATHY, LIMB-GIRDLE, FRKP-RELATED. Identifiers: Orphanet 34515, MedGen C1846672, MONDO:0011787, OMIM 607155.

Allele frequency attached by ClinVar (database versions not stated): gnomAD 0.00003; TOPMed 0.00005.

Submissions (3):

Ambry Genetics
Classification: Uncertain significance for Cardiovascular phenotype. Last evaluated: 2025-05-03. Review status: criteria provided, single submitter. Criteria: Ambry Variant Classification Scheme 2023. Collection method: clinical testing. Allele origin: germline.
Comment: The p.A253S variant (also known as c.757G>T), located in coding exon 1 of the FKRP gene, results from a G to T substitution at nucleotide position 757. The alanine at codon 253 is replaced by serine, an amino acid with similar properties. This amino acid position is not well conserved in available vertebrate species. In addition, this alteration is predicted to be tolerated by in silico analysis. Since supporting evidence is limited at this time, the clinical significance of this alteration remains unclear.

Labcorp Genetics (formerly Invitae), Labcorp
Classification: Uncertain significance for Walker-Warburg congenital muscular dystrophy. Last evaluated: 2021-09-01. Review status: criteria provided, single submitter. Criteria: Invitae Variant Classification Sherloc (09022015). Collection method: clinical testing. Allele origin: germline.
Comment: This sequence change replaces alanine with serine at codon 253 of the FKRP protein (p.Ala253Ser). The alanine residue is moderately conserved and there is a moderate physicochemical difference between alanine and serine. The frequency data for this variant in the population databases is considered unreliable, as metrics indicate insufficient coverage at this position in the ExAC database. This variant has not been reported in the literature in individuals affected with FKRP-related conditions. Algorithms developed to predict the effect of missense changes on protein structure and function (SIFT, PolyPhen-2, Align-GVGD) all suggest that this variant is likely to be tolerated. In summary, the available evidence is currently insufficient to determine the role of this variant in disease. Therefore, it has been classified as a Variant of Uncertain Significance.

Natera, Inc.
Classification: Uncertain significance for Limb-girdle muscular dystrophy type 2I. Last evaluated: 2021-05-04. Review status: no assertion criteria provided. Collection method: clinical testing. Allele origin: germline. Not counted in ClinVar's aggregate classification.